The following is an entry in ClinVar:

NM_004168.4(SDHA):c.349G>A (p.Asp117Asn)

Gene: SDHA (succinate dehydrogenase complex flavoprotein subunit A; plus strand). Cytogenetic location: 5p15.33.
Variant type: single nucleotide variant.
Coding change: c.349G>A on transcript NM_004168.4 (MANE Select); coding-DNA position 349, G replaced by A.
Protein change: p.Asp117Asn; replaces aspartic acid 117 with asparagine.
Molecular consequence: missense variant. On other transcripts: intron variant (1).
Genome position (GRCh38, 1-based): chr5:225,455, G>A. VCF-style: chr5-225455-G-A. GRCh37 (hg19) VCF-style: chr5-225570-G-A.
Other names: c.349G>A (NM_004168.2); c.349G>A, p.Asp117Asn (NM_001330758.2); c.313-428G>A (NM_001294332.2); short protein forms D117N.
Identifiers: ClinVar variation 1495169 (VCV001495169.9), dbSNP rs2126546832, ClinGen allele CA359009256.

ClinVar aggregate classification (germline): Uncertain significance. Review status: criteria provided, multiple submitters, no conflicts (2 of 4 stars). 2 submissions from 2 submitters: Uncertain significance (2). Last evaluated 2025-07-08.

Conditions:
Mitochondrial complex II deficiency, nuclear type 1. Also called: SUCCINATE CoQ REDUCTASE DEFICIENCY. Identifiers: Orphanet 3208, MedGen C5700310, MONDO:0100294, OMIM 252011.
Pheochromocytoma/paraganglioma syndrome 5. Also called: Paragangliomas 5; SDHA-Related Hereditary Paraganglioma-Pheochromocytoma Syndrome. Identifiers: Orphanet 29072, MedGen C3279992, MONDO:0013602, OMIM 614165.
Hereditary cancer-predisposing syndrome. Also called: Neoplastic Syndromes, Hereditary; Hereditary Cancer Syndrome; Hereditary neoplastic syndrome; Tumor predisposition. Identifiers: Orphanet 140162, MedGen C0027672, MeSH D009386, MONDO:0015356.

Submissions (2):

Labcorp Genetics (formerly Invitae), Labcorp
Classification: Uncertain significance for Pheochromocytoma/paraganglioma syndrome 5; Mitochondrial complex II deficiency, nuclear type 1. Last evaluated: 2025-07-08. Review status: criteria provided, single submitter. Criteria: Invitae Variant Classification Sherloc (09022015). Collection method: clinical testing. Allele origin: germline.
Comment: This sequence change replaces aspartic acid, which is acidic and polar, with asparagine, which is neutral and polar, at codon 117 of the SDHA protein (p.Asp117Asn). This variant is not present in population databases (gnomAD no frequency). This variant has not been reported in the literature in individuals affected with SDHA-related conditions. ClinVar contains an entry for this variant (Variation ID: 1495169). Invitae Evidence Modeling of protein sequence and biophysical properties (such as structural, functional, and spatial information, amino acid conservation, physicochemical variation, residue mobility, and thermodynamic stability) has been performed for this missense variant. However, the output from this modeling did not meet the statistical confidence thresholds required to predict the impact of this variant on SDHA protein function. In summary, the available evidence is currently insufficient to determine the role of this variant in disease. Therefore, it has been classified as a Variant of Uncertain Significance.

Ambry Genetics
Classification: Uncertain significance for Hereditary cancer-predisposing syndrome. Last evaluated: 2024-11-21. Review status: criteria provided, single submitter. Criteria: Ambry Variant Classification Scheme 2023. Collection method: clinical testing. Allele origin: germline.
Comment: The p.D117N variant (also known as c.349G>A), located in coding exon 4 of the SDHA gene, results from a G to A substitution at nucleotide position 349. The aspartic acid at codon 117 is replaced by asparagine, an amino acid with highly similar properties. This amino acid position is highly conserved in available vertebrate species. In addition, the in silico prediction for this alteration is inconclusive. Based on the available evidence, the clinical significance of this variant remains unclear.